The following is an entry in ClinVar:

ClinVar aggregate classification (germline): Uncertain significance. Review status: criteria provided, single submitter (1 of 4 stars). 2 submissions from 2 submitters: Uncertain significance (1). 1 of the submissions does not count toward it. Last evaluated 2025-07-14.

Conditions:
SEMA3E-related disorder. Also called: SEMA3E-related condition.
CHARGE syndrome (CHARGE). Also called: Hittner Hirsch Kreh syndrome; CHARGE ASSOCIATION--COLOBOMA, HEART ANOMALY, CHOANAL ATRESIA, RETARDATION, GENITAL AND EAR ANOMALIES; Coloboma, heart anomaly, choanal atresia, retardation, genital and ear anomalies; CHARGE association; Hall-Hittner syndrome. Identifiers: Orphanet 138, MedGen C0265354, MONDO:0008965.

Allele frequency attached by ClinVar (database versions not stated): gnomAD exomes 0.00001.
gnomAD v4.1: 3 of 1,614,066 alleles (0.00019%); highest among the groups gnomAD compares: Admixed American, 0.005%; no homozygotes.

Submissions (2):

Labcorp Genetics (formerly Invitae), Labcorp
Classification: Uncertain significance for CHARGE syndrome. Last evaluated: 2025-07-14. Review status: criteria provided, single submitter. Criteria: Invitae Variant Classification Sherloc (09022015). Collection method: clinical testing. Allele origin: germline.
Comment: This sequence change replaces cysteine, which is neutral and slightly polar, with serine, which is neutral and polar, at codon 734 of the SEMA3E protein (p.Cys734Ser). This variant is present in population databases (no rsID available, gnomAD 0.003%). This variant has not been reported in the literature in individuals affected with SEMA3E-related conditions. ClinVar contains an entry for this variant (Variation ID: 2421908). An algorithm developed to predict the effect of missense changes on protein structure and function (PolyPhen-2) suggests that this variant is likely to be disruptive. In summary, the available evidence is currently insufficient to determine the role of this variant in disease. Therefore, it has been classified as a Variant of Uncertain Significance.

PreventionGenetics, part of Exact Sciences
Classification: Uncertain significance for SEMA3E-related condition. Last evaluated: 2024-06-15. Review status: no assertion criteria provided. Collection method: clinical testing. Allele origin: germline. Not counted in ClinVar's aggregate classification.
Comment: The SEMA3E c.2201G>C variant is predicted to result in the amino acid substitution p.Cys734Ser. To our knowledge, this variant has not been reported in the literature. This variant is reported in 0.0087% of alleles in individuals of Latino descent in gnomAD. At this time, the clinical significance of this variant is uncertain due to the absence of conclusive functional and genetic evidence.

NM_012431.3(SEMA3E):c.2201G>C (p.Cys734Ser)

Gene: SEMA3E (semaphorin 3E; minus strand). Cytogenetic location: 7q21.11.
Variant type: single nucleotide variant.
Coding change: c.2201G>C on transcript NM_012431.3 (MANE Select); coding-DNA position 2201, G replaced by C.
Protein change: p.Cys734Ser; replaces cysteine 734 with serine.
Molecular consequence: missense variant.
Genome position (GRCh38, 1-based): chr7:83,367,713, C>G on the plus strand (G>C on the coding strand, the complement: SEMA3E is on the minus strand). VCF-style: chr7-83367713-C-G. GRCh37 (hg19) VCF-style: chr7-82997029-C-G.
Other names: c.2021G>C, p.Cys674Ser (NM_001178129.2); c.2201G>C (NM_012431.2); short protein forms C674S, C734S.
Identifiers: ClinVar variation 2421908 (VCV002421908.7), dbSNP rs1390059630, ClinGen allele CA367912950.